The following is an entry in ClinVar:

NM_001355469.2(GOLGA8T):c.180T>C (p.Gly60=)

Gene: GOLGA8T (golgin A8 family member T; plus strand). Cytogenetic location: 15q13.2.
Variant type: single nucleotide variant.
Coding change: c.180T>C on transcript NM_001355469.2 (MANE Select); coding-DNA position 180, T replaced by C.
Protein change: p.Gly60=; no amino-acid change (glycine 60 retained).
Molecular consequence: synonymous variant.
Genome position (GRCh38, 1-based): chr15:30,137,892, T>C. VCF-style: chr15-30137892-T-C. GRCh37 (hg19) VCF-style: chr15-30430095-T-C.
Identifiers: ClinVar variation 3388767 (VCV003388767.14).

ClinVar aggregate classification (germline): Likely benign (1 of 4 stars; one submission).

Submission:

CeGaT Center for Human Genetics Tuebingen
Classification: Likely benign. Last evaluated: 2024-11-01. Review status: criteria provided, single submitter. Criteria: CeGaT Center For Human Genetics Tuebingen Variant Classification Criteria Version 2. Collection method: clinical testing. Allele origin: germline. Affected: yes. Observed: 1 variant allele.
Comment: GOLGA8T: BP4, BP7